The following is an entry in ClinVar:

NM_033380.3(COL4A5):c.665T>G (p.Phe222Cys)

Gene: COL4A5 (collagen type IV alpha 5 chain; plus strand). Cytogenetic location: Xq22.3.
Variant type: single nucleotide variant.
Coding change: c.665T>G on transcript NM_033380.3 (MANE Select); coding-DNA position 665, T replaced by G.
Protein change: p.Phe222Cys; replaces phenylalanine 222 with cysteine.
Molecular consequence: missense variant.
Genome position (GRCh38, 1-based): chrX:108,578,097, T>G. VCF-style: chrX-108578097-T-G. GRCh37 (hg19) VCF-style: chrX-107821327-T-G.
Other names: c.665T>G, p.Phe222Cys (NM_000495.5); short protein forms F222C.
Identifiers: ClinVar variation 38751 (VCV000038751.14), dbSNP rs281874761, ClinGen allele CA261044.

ClinVar aggregate classification (germline): Pathogenic. Review status: criteria provided, multiple submitters, no conflicts (2 of 4 stars). 3 submissions from 3 submitters: Pathogenic (3). Last evaluated 2025-03-05.

Conditions:
X-linked Alport syndrome (ATS1). Also called: NEPHROPATHY AND DEAFNESS, X-LINKED; COL4A5-Related Nephropathy. Identifiers: Orphanet 63, Orphanet 88917, MedGen C4746986, MONDO:0010520, OMIM 301050.

Submissions (3):

Labcorp Genetics (formerly Invitae), Labcorp
Classification: Pathogenic. Last evaluated: 2025-03-05. Review status: criteria provided, single submitter. Criteria: Invitae Variant Classification Sherloc (09022015). Collection method: clinical testing. Allele origin: germline.
Comment: This sequence change replaces phenylalanine, which is neutral and non-polar, with cysteine, which is neutral and slightly polar, at codon 222 of the COL4A5 protein (p.Phe222Cys). This variant is not present in population databases (gnomAD no frequency). This missense change has been observed in individual(s) with glomerular disease (PMID: 20881942, 26613025, 29198386). It has also been observed to segregate with disease in related individuals. ClinVar contains an entry for this variant (Variation ID: 38751). Invitae Evidence Modeling of protein sequence and biophysical properties (such as structural, functional, and spatial information, amino acid conservation, physicochemical variation, residue mobility, and thermodynamic stability) has been performed for this missense variant. However, the output from this modeling did not meet the statistical confidence thresholds required to predict the impact of this variant on COL4A5 protein function. For these reasons, this variant has been classified as Pathogenic.

Women's Health and Genetics/Laboratory Corporation of America, LabCorp
Classification: Pathogenic for X-linked Alport syndrome. Last evaluated: 2022-02-04. Review status: criteria provided, single submitter. Criteria: LabCorp Variant Classification Summary - May 2015. Collection method: clinical testing. Allele origin: germline.
Comment: Variant summary: COL4A5 c.665T>G (p.Phe222Cys) results in a non-conservative amino acid change in the encoded protein sequence. Five of five in-silico tools predict a damaging effect of the variant on protein function. The variant was absent in 181287 control chromosomes (gnomAD). c.665T>G has been reported in the literature in multiple male individuals from 3 families, who were affected with Alport Syndrome 1, X-Linked Recessive (Becknell_2011, Wuttke_2015, Barua_2018); and the variant co-segregated with the disease in all of these families. These data indicate that the variant is very likely to be associated with disease. To our knowledge, no experimental evidence demonstrating an impact on protein function has been reported. One clinical diagnostic laboratory has submitted clinical-significance assessments for this variant to ClinVar after 2014, and classified the variant as pathogenic. Based on the evidence outlined above, the variant was classified as pathogenic.

GeneDx
Classification: Pathogenic. Last evaluated: 2016-08-23. Review status: criteria provided, single submitter. Criteria: GeneDx Variant Classification (06012015). Collection method: clinical testing. Allele origin: germline. Affected: yes.
Comment: The F222C variant in the COL4A5 gene has been previously reported in affected males from two families with Alport syndrome (Becknell et al., 2011; Wuttke et al., 2015). It was not observed in approximately 6,500 individuals of European and African American ancestry in the NHLBI Exome Sequencing Project, indicating it is not a common benign variant in these populations. F222C is a non-conservative amino acid substitution, which is likely to impact secondary protein structure as these residues differ in polarity, charge, size and/or other properties. This substitution occurs at a position that is conserved across species, and in silico analysis predicts this variant is probably damaging to the protein structure/function. In addition, missense variants in nearby residues (G216R/E/V, G219S, G227S/D) have been reported in the Human Gene Mutation Database in association with Alport syndrome (Stenson et al., 2014), supporting the functional importance of this region of the protein. Therefore, we consider this variant to be pathogenic.

Literature cited by the submitters: PubMed 20881942 (cited by Labcorp Genetics (formerly Invitae), Labcorp and Women's Health and Genetics/Laboratory Corporation of America, LabCorp); PubMed 26613025 (cited by Labcorp Genetics (formerly Invitae), Labcorp and Women's Health and Genetics/Laboratory Corporation of America, LabCorp); PubMed 29198386 (cited by Labcorp Genetics (formerly Invitae), Labcorp and Women's Health and Genetics/Laboratory Corporation of America, LabCorp).